The following is an entry in ClinVar:

ClinVar aggregate classification (germline): Uncertain significance (1 of 4 stars; one submission).

Allele frequency attached by ClinVar (database versions not stated): gnomAD exomes below 0.00001.
gnomAD v4.1: 1 of 1,614,114 alleles (0.000062%); highest among the groups gnomAD compares: Non-Finnish European, 0.000085%; no homozygotes.

Submission:

GeneDx
Classification: Uncertain significance. Last evaluated: 2019-11-13. Review status: criteria provided, single submitter. Criteria: GeneDx Variant Classification Process June 2021. Collection method: clinical testing. Allele origin: germline. Affected: yes.
Comment: Not observed in large population cohorts (Lek et al., 2016); In silico analysis, which includes protein predictors and evolutionary conservation, supports a deleterious effect; Has not been previously published as pathogenic or benign to our knowledge

NM_001273.5(CHD4):c.982A>G (p.Ser328Gly)

Gene: CHD4 (chromodomain helicase DNA binding protein 4; minus strand). Cytogenetic location: 12p13.31.
Variant type: single nucleotide variant.
Coding change: c.982A>G on transcript NM_001273.5 (MANE Select); coding-DNA position 982, A replaced by G.
Protein change: p.Ser328Gly; replaces serine 328 with glycine.
Molecular consequence: missense variant.
Genome position (GRCh38, 1-based): chr12:6,600,615, T>C on the plus strand (A>G on the coding strand, the complement: CHD4 is on the minus strand). VCF-style: chr12-6600615-T-C. GRCh37 (hg19) VCF-style: chr12-6709781-T-C.
Other names: c.961A>G, p.Ser321Gly (NM_001297553.2); c.982A>G, p.Ser328Gly (NM_001363606.2); short protein forms S321G, S328G.
Identifiers: ClinVar variation 1310144 (VCV001310144.2), dbSNP rs2136223878, ClinGen allele CA383601894.